The following is an entry in ClinVar:

NM_007055.4(POLR3A):c.2325C>G (p.Asn775Lys)

Gene: POLR3A (RNA polymerase III subunit A; minus strand). Cytogenetic location: 10q22.3.
Variant type: single nucleotide variant.
Coding change: c.2325C>G on transcript NM_007055.4 (MANE Select); coding-DNA position 2325, C replaced by G.
Protein change: p.Asn775Lys; replaces asparagine 775 with lysine.
Molecular consequence: missense variant.
Genome position (GRCh38, 1-based): chr10:78,002,231, G>C on the plus strand (C>G on the coding strand, the complement: POLR3A is on the minus strand). VCF-style: chr10-78002231-G-C. GRCh37 (hg19) VCF-style: chr10-79761989-G-C.
Other names: POLR3A; short protein forms N775K.
Identifiers: ClinVar variation 638561 (VCV000638561.3), dbSNP rs1589310432, ClinGen allele CA377336981.

ClinVar aggregate classification (germline): Pathogenic (0 of 4 stars; one submission).

Conditions:
Leukodystrophy, hypomyelinating, 7, with or without oligodontia and/or hypogonadotropic hypogonadism (HLD7). Also called: LEUKOENCEPHALOPATHY, HYPOMYELINATING, WITH ATAXIA AND DELAYED DENTITION; ATAXIA, DELAYED DENTITION, AND HYPOMYELINATION; Ataxia, Delayed Dentition and Hypomyelination (ADDH); LEUKODYSTROPHY, HYPOMYELINATING, 7, WITH OLIGODONTIA; LEUKODYSTROPHY, HYPOMYELINATING, 7, WITH OLIGODONTIA AND HYPOGONADOTROPIC HYPOGONADISM; LEUKODYSTROPHY, HYPOMYELINATING, 7, WITHOUT OLIGODONTIA OR HYPOGONADOTROPIC HYPOGONADISM. Identifiers: Orphanet 137639, Orphanet 447893, Orphanet 447896, Orphanet 77295, Orphanet 88637, MedGen CN034185, MONDO:0011897, OMIM 607694.

Submission:

Istituto Neurologico Mediterraneo, Istituto di Ricovero e Cura a Carattere Scientifico
Classification: Pathogenic for Leukodystrophy, hypomyelinating, 7, with or without oligodontia and/or hypogonadotropic hypogonadism. Last evaluated: 2019-05-23. Review status: no assertion criteria provided. Collection method: clinical testing. Allele origin: inherited. Inheritance: Autosomal recessive inheritance. Affected: yes.
Comment: Hypomyelinating leukodystrophy type 7. Late age of onset.